The following is an entry in ClinVar:

ClinVar aggregate classification (germline): Uncertain significance (1 of 4 stars; one submission).

Conditions:
Cardiovascular phenotype. Identifiers: MedGen CN230736.

gnomAD v4.1: 2 of 1,613,574 alleles (0.00012%); no homozygotes.

Submission:

Ambry Genetics
Classification: Uncertain significance for Cardiovascular phenotype. Last evaluated: 2025-05-17. Review status: criteria provided, single submitter. Criteria: Ambry Variant Classification Scheme 2023. Collection method: clinical testing. Allele origin: germline.
Comment: The p.E317D variant (also known as c.951G>C), located in coding exon 2 of the JPH2 gene, results from a G to C substitution at nucleotide position 951. The glutamic acid at codon 317 is replaced by aspartic acid, an amino acid with highly similar properties. This amino acid position is conserved. In addition, this alteration is predicted to be tolerated by in silico analysis. Based on the available evidence, the clinical significance of this variant remains unclear.

NM_020433.5(JPH2):c.951G>C (p.Glu317Asp)

Gene: JPH2 (junctophilin 2; minus strand). Cytogenetic location: 20q13.12.
Variant type: single nucleotide variant.
Coding change: c.951G>C on transcript NM_020433.5 (MANE Select); coding-DNA position 951, G replaced by C.
Protein change: p.Glu317Asp; replaces glutamic acid 317 with aspartic acid.
Molecular consequence: missense variant.
Genome position (GRCh38, 1-based): chr20:44,159,836, C>G on the plus strand (G>C on the coding strand, the complement: JPH2 is on the minus strand). VCF-style: chr20-44159836-C-G. GRCh37 (hg19) VCF-style: chr20-42788476-C-G.
Other names: short protein forms E317D.
Identifiers: ClinVar variation 4040909 (VCV004040909.1).